The following is an entry in ClinVar:

ClinVar aggregate classification (germline): Likely benign (1 of 4 stars; one submission).

Submissions (2):

CeGaT Center for Human Genetics Tuebingen
Classification: Likely benign. Last evaluated: 2024-09-01. Review status: criteria provided, single submitter. Criteria: CeGaT Center For Human Genetics Tuebingen Variant Classification Criteria Version 2. Collection method: clinical testing. Allele origin: germline. Affected: yes. Observed: 1 variant allele.
Comment: HLA-DMA: BP4, BP7

Dr. Peter K. Rogan Lab, Western University
No classification provided (evidence only). Condition: Colon adenocarcinoma. Review status: no classification provided. Collection method: in vitro. Allele origin: not applicable. Functional consequence: retained intron. Not counted in ClinVar's aggregate classification.

NM_006120.4(HLA-DMA):c.702C>T (p.Gly234=)

Gene: HLA-DMA (major histocompatibility complex, class II, DM alpha; minus strand). Cytogenetic location: 6p21.32.
Variant type: single nucleotide variant.
Coding change: c.702C>T on transcript NM_006120.4 (MANE Select); coding-DNA position 702, C replaced by T.
Protein change: p.Gly234=; no amino-acid change (glycine 234 retained).
Molecular consequence: synonymous variant.
Genome position (GRCh38, 1-based): chr6:32,949,350, G>A on the plus strand (C>T on the coding strand, the complement: HLA-DMA is on the minus strand). VCF-style: chr6-32949350-G-A. GRCh37 (hg19) VCF-style: chr6-32917127-G-A.
Other names: NC_000006.11:g.32917127G>A.
Identifiers: ClinVar variation 3388424 (VCV003388424.15).